The following is an entry in ClinVar:

NM_024570.4(RNASEH2B):c.756A>G (p.Ser252=)

Gene: RNASEH2B (ribonuclease H2 subunit B; plus strand). Cytogenetic location: 13q14.3.
Variant type: single nucleotide variant.
Coding change: c.756A>G on transcript NM_024570.4 (MANE Select); coding-DNA position 756, A replaced by G.
Protein change: p.Ser252=; no amino-acid change (serine 252 retained).
Molecular consequence: synonymous variant. On other transcripts: intron variant (1).
Genome position (GRCh38, 1-based): chr13:50,953,919, A>G. VCF-style: chr13-50953919-A-G. GRCh37 (hg19) VCF-style: chr13-51528055-A-G.
Other names: c.741+4414A>G (NM_001142279.2).
Identifiers: ClinVar variation 312332 (VCV000312332.60), dbSNP rs200721645, ClinGen allele CA6985703.

ClinVar aggregate classification (germline): Conflicting classifications of pathogenicity. Review status: criteria provided, conflicting classifications (1 of 4 stars). 7 submissions from 7 submitters: Uncertain significance (1); Likely benign (4). 2 of the submissions do not count toward it. Last evaluated 2026-01-26.

Conditions:
Aicardi-Goutieres syndrome 2. Identifiers: Orphanet 51, MedGen C3489724, MONDO:0012429, OMIM 610181.

Allele frequency attached by ClinVar (database versions not stated): ESP Exome Variant Server 0.00008; TOPMed 0.00021; gnomAD exomes 0.00029 and 0.00038; ExAC 0.00035; gnomAD 0.00042 and 0.00043.
gnomAD v4.1: 481 of 1,602,950 alleles (0.03%); highest among the groups gnomAD compares: Non-Finnish European, 0.031%; no homozygotes.

Submissions (7):

Labcorp Genetics (formerly Invitae), Labcorp
Classification: Likely benign for Aicardi-Goutieres syndrome 2. Last evaluated: 2026-01-26. Review status: criteria provided, single submitter. Criteria: Invitae Variant Classification Sherloc (09022015). Collection method: clinical testing. Allele origin: germline.

CeGaT Center for Human Genetics Tuebingen
Classification: Likely benign. Last evaluated: 2025-10-01. Review status: criteria provided, single submitter. Criteria: CeGaT Center For Human Genetics Tuebingen Variant Classification Criteria Version 2. Collection method: clinical testing. Allele origin: germline. Affected: yes. Observed: 8 variant alleles.
Comment: RNASEH2B: BP4, BP7

Laboratory of Genetics, Children's Clinical University Hospital Latvia
Classification: Likely benign. Last evaluated: 2025-02-16. Review status: criteria provided, single submitter. Criteria: ACMG Guidelines, 2015. Collection method: clinical testing. Allele origin: germline. Affected: yes.

Blueprint Genetics
Classification: Likely benign. Last evaluated: 2024-11-27. Review status: criteria provided, single submitter. Criteria: ACMG Guidelines, 2015. Collection method: clinical testing. Allele origin: germline.

Illumina Laboratory Services, Illumina
Classification: Uncertain significance for Aicardi-Goutieres syndrome 2. Last evaluated: 2018-01-12. Review status: criteria provided, single submitter. Criteria: ICSL Variant Classification Criteria 13 December 2019. Collection method: clinical testing. Allele origin: germline.

Clinical Genetics DNA and cytogenetics Diagnostics Lab, Erasmus MC, Erasmus Medical Center
Classification: Likely benign. Review status: no assertion criteria provided. Collection method: clinical testing. Allele origin: germline. Affected: yes. Study: VKGL Data-share Consensus. Not counted in ClinVar's aggregate classification.

Diagnostic Laboratory, Department of Genetics, University Medical Center Groningen
Classification: Likely benign. Review status: no assertion criteria provided. Collection method: clinical testing. Allele origin: germline. Affected: yes. Study: VKGL Data-share Consensus. Not counted in ClinVar's aggregate classification.